The following is an entry in ClinVar:

NM_005732.4(RAD50):c.1235del (p.Asn412fs)

Gene: RAD50 (RAD50 double strand break repair protein; plus strand). Cytogenetic location: 5q31.1.
Variant type: Deletion.
Coding change: c.1235del on transcript NM_005732.4 (MANE Select); coding-DNA position 1235, one base deleted (A; older notation c.1235delA).
Protein change: p.Asn412fs; shifts the reading frame from asparagine 412.
Molecular consequence: frameshift variant.
Genome position (GRCh38, 1-based): chr5:132,588,870, A deleted; the last of 2 consecutive A bases (chr5:132,588,869-132,588,870); deleting either gives the same sequence. VCF-style (leftmost placement, unchanged base first): chr5-132588868-CA-C. GRCh37 (hg19) VCF-style: chr5-131924560-CA-C.
Other names: short protein forms N412fs.
Identifiers: ClinVar variation 1069944 (VCV001069944.9), dbSNP rs2149841198, ClinGen allele CA2499217572.
Genomic context (GRCh38, chr5:132,588,868, plus strand): 5'-ACAGATTAAAAATTTTCACAAACTTGTGAGAGAGAGACAAGAAGGGGAAGCAAAAACTGC[CA>C]ACCAACTGATGGCAAGTATTTTGAAATACAGTATTTGTTATTTTGTTTGCATCATATTCT-3'

ClinVar aggregate classification (germline): Pathogenic. Review status: criteria provided, multiple submitters, no conflicts (2 of 4 stars). 2 submissions from 2 submitters: Pathogenic (2). Last evaluated 2021-10-06.

Conditions:
Hereditary cancer-predisposing syndrome. Also called: Hereditary neoplastic syndrome; Tumor predisposition; Hereditary Cancer Syndrome; Neoplastic Syndromes, Hereditary. Identifiers: Orphanet 140162, MedGen C0027672, MeSH D009386, MONDO:0015356.

Submissions (2):

Labcorp Genetics (formerly Invitae), Labcorp
Classification: Pathogenic for Hereditary cancer-predisposing syndrome. Last evaluated: 2021-10-06. Review status: criteria provided, single submitter. Criteria: Invitae Variant Classification Sherloc (09022015). Collection method: clinical testing. Allele origin: germline.
Comment: This variant is not present in population databases (ExAC no frequency). For these reasons, this variant has been classified as Pathogenic. Loss-of-function variants in RAD50 are known to be pathogenic (PMID: 16385572, 19409520). This variant has not been reported in the literature in individuals with RAD50-related conditions. This sequence change creates a premature translational stop signal (p.Asn412Thrfs*3) in the RAD50 gene. It is expected to result in an absent or disrupted protein product.

Ambry Genetics
Classification: Pathogenic for Hereditary cancer-predisposing syndrome. Last evaluated: 2020-03-04. Review status: criteria provided, single submitter. Criteria: Ambry Variant Classification Scheme 2023. Collection method: clinical testing. Allele origin: germline.
Comment: The c.1235delA pathogenic mutation, located in coding exon 8 of the RAD50 gene, results from a deletion of one nucleotide at nucleotide position 1235, causing a translational frameshift with a predicted alternate stop codon (p.N412Tfs*3). This alteration is expected to result in loss of function by premature protein truncation or nonsense-mediated mRNA decay. As such, this alteration is interpreted as a disease-causing mutation.

Literature cited by the submitters: PubMed 16385572 (cited by Labcorp Genetics (formerly Invitae), Labcorp); PubMed 19409520 (cited by Labcorp Genetics (formerly Invitae), Labcorp).